The following is an entry in ClinVar:

NM_001267550.2(TTN):c.26408A>G (p.Asn8803Ser)

Gene: TTN (titin; minus strand). Cytogenetic location: 2q31.2.
Variant type: single nucleotide variant.
Coding change: c.26408A>G on transcript NM_001267550.2 (MANE Select); coding-DNA position 26408, A replaced by G.
Protein change: p.Asn8803Ser; replaces asparagine 8803 with serine.
Molecular consequence: missense variant. On other transcripts: intron variant (3).
Genome position (GRCh38, 1-based): chr2:178,714,366, T>C on the plus strand (A>G on the coding strand, the complement: TTN is on the minus strand). VCF-style: chr2-178714366-T-C. GRCh37 (hg19) VCF-style: chr2-179579093-T-C.
Other names: p.N8486S:AAT>AGT; c.25457A>G, p.Asn8486Ser (NM_001256850.1); c.22676A>G, p.Asn7559Ser (NM_133378.4); c.13282+23716A>G (NM_003319.4); c.13858+23716A>G (NM_133437.4); c.13657+23716A>G (NM_133432.3); short protein forms N8803S, N7559S, N8486S.
Identifiers: ClinVar variation 46777 (VCV000046777.35), dbSNP rs12693164, ClinGen allele CA282982.

ClinVar aggregate classification (germline): Benign/Likely benign. Review status: criteria provided, multiple submitters, no conflicts (2 of 4 stars). 23 submissions from 16 submitters: Benign (19); Likely benign (2). 2 of the submissions do not count toward it. Last evaluated 2026-02-04.

Conditions:
Cardiovascular phenotype. Identifiers: MedGen CN230736.
Dilated cardiomyopathy 1G (CMD1G). Identifiers: Orphanet 154, MedGen C1858763, MONDO:0011400, OMIM 604145.
Autosomal recessive limb-girdle muscular dystrophy type 2J (LGMDR10). Also called: MUSCULAR DYSTROPHY, LIMB-GIRDLE, AUTOSOMAL RECESSIVE 10; Limb-girdle muscular dystrophy, type 2J. Identifiers: Orphanet 140922, MedGen C1837342, MONDO:0012127, OMIM 608807.
Early-onset myopathy with fatal cardiomyopathy (CMYO5). Also called: CONGENITAL MYOPATHY 5 WITH CARDIOMYOPATHY; Salih Myopathy. Identifiers: Orphanet 289377, MedGen C2673677, MONDO:0012714, OMIM 611705. Disease mechanism: loss of function.
Myopathy, myofibrillar, 9, with early respiratory failure (MFM9). Also called: Myopathy, distal, with early respiratory failure, autosomal dominant; Hereditary myopathy with early respiratory failure; MYOPATHY, PROXIMAL, WITH EARLY RESPIRATORY MUSCLE INVOLVEMENT; EDSTROM MYOPATHY. Identifiers: Orphanet 178464, Orphanet 34521, MedGen C1863599, MONDO:0011362, OMIM 603689.
Tibial muscular dystrophy (TMD). Also called: Udd Distal Myopathy – Tibial Muscular Dystrophy; Tibial muscular dystrophy, tardive; UDD MYOPATHY. Identifiers: Orphanet 609, MedGen C1838244, MONDO:0010870, OMIM 600334.

Allele frequency attached by ClinVar (database versions not stated): gnomAD exomes 0.16395 and 0.17974; 1000 Genomes Project 30x 0.24453; gnomAD 0.16638 and 0.16204; TOPMed 0.17606; ESP Exome Variant Server 0.15287; 1000 Genomes Project 0.24700; ExAC 0.17930.
gnomAD v4.1: 265,725 of 1,613,708 alleles (16%); highest among the groups gnomAD compares: East Asian, 44%; 24,588 homozygotes.

Submissions (23):

Labcorp Genetics (formerly Invitae), Labcorp
Classification: Benign for Dilated cardiomyopathy 1G; Autosomal recessive limb-girdle muscular dystrophy type 2J. Last evaluated: 2026-02-04. Review status: criteria provided, single submitter. Criteria: Invitae Variant Classification Sherloc (09022015). Collection method: clinical testing. Allele origin: germline.

Molecular Diagnostic Laboratory for Inherited Cardiovascular Disease, Montreal Heart Institute
Classification: Benign. Last evaluated: 2025-04-09. Review status: criteria provided, single submitter. Criteria: ACMG Guidelines, 2015. Collection method: clinical testing. Allele origin: germline. Affected: no.

Genome-Nilou Lab
Classification: Benign for Autosomal recessive limb-girdle muscular dystrophy type 2J. Last evaluated: 2021-09-10. Review status: criteria provided, single submitter. Criteria: ACMG Guidelines, 2015. Collection method: clinical testing. Allele origin: germline. Affected: no.

Genome-Nilou Lab
Classification: Benign for Myopathy, myofibrillar, 9, with early respiratory failure. Last evaluated: 2021-09-10. Review status: criteria provided, single submitter. Criteria: ACMG Guidelines, 2015. Collection method: clinical testing. Allele origin: germline. Affected: no.

Genome-Nilou Lab
Classification: Benign for Early-onset myopathy with fatal cardiomyopathy. Last evaluated: 2021-09-10. Review status: criteria provided, single submitter. Criteria: ACMG Guidelines, 2015. Collection method: clinical testing. Allele origin: germline. Affected: no.

Genome-Nilou Lab
Classification: Benign for Tibial muscular dystrophy. Last evaluated: 2021-09-10. Review status: criteria provided, single submitter. Criteria: ACMG Guidelines, 2015. Collection method: clinical testing. Allele origin: germline. Affected: no.

Women's Health and Genetics/Laboratory Corporation of America, LabCorp
Classification: Likely benign. Last evaluated: 2020-08-18. Review status: criteria provided, single submitter. Criteria: LabCorp Variant Classification Summary - May 2015. Collection method: clinical testing. Allele origin: germline.

Athena Diagnostics
Classification: Benign. Last evaluated: 2018-06-21. Review status: criteria provided, single submitter. Criteria: Athena Diagnostics Criteria. Collection method: clinical testing. Allele origin: germline.

Illumina Laboratory Services, Illumina
Classification: Benign for Early-onset myopathy with fatal cardiomyopathy. Last evaluated: 2018-01-12. Review status: criteria provided, single submitter. Criteria: ICSL Variant Classification Criteria 13 December 2019. Collection method: clinical testing. Allele origin: germline.
Comment: This variant was observed in the ICSL laboratory as part of a predisposition screen in an ostensibly healthy population. It had not been previously curated by ICSL or reported in the Human Gene Mutation Database (HGMD: prior to June 1st, 2018), and was therefore a candidate for classification through an automated scoring system. Utilizing variant allele frequency, disease prevalence and penetrance estimates, and inheritance mode, an automated score was calculated to assess if this variant is too frequent to cause the disease. Based on the score and internal cut-off values, a variant classified as benign is not then subjected to further curation. The score for this variant resulted in a classification of benign for this disease.

Illumina Laboratory Services, Illumina
Classification: Benign for Dilated cardiomyopathy 1G. Last evaluated: 2018-01-12. Review status: criteria provided, single submitter. Criteria: ICSL Variant Classification Criteria 13 December 2019. Collection method: clinical testing. Allele origin: germline.
Comment: the same text as in the submission from Illumina Laboratory Services, Illumina above.

Illumina Laboratory Services, Illumina
Classification: Benign for Tibial muscular dystrophy. Last evaluated: 2018-01-12. Review status: criteria provided, single submitter. Criteria: ICSL Variant Classification Criteria 13 December 2019. Collection method: clinical testing. Allele origin: germline.
Comment: the same text as in the submission from Illumina Laboratory Services, Illumina above.

Illumina Laboratory Services, Illumina
Classification: Benign for Myopathy, myofibrillar, 9, with early respiratory failure. Last evaluated: 2018-01-12. Review status: criteria provided, single submitter. Criteria: ICSL Variant Classification Criteria 13 December 2019. Collection method: clinical testing. Allele origin: germline.
Comment: the same text as in the submission from Illumina Laboratory Services, Illumina above.

Illumina Laboratory Services, Illumina
Classification: Benign for Autosomal recessive limb-girdle muscular dystrophy type 2J. Last evaluated: 2018-01-12. Review status: criteria provided, single submitter. Criteria: ICSL Variant Classification Criteria 13 December 2019. Collection method: clinical testing. Allele origin: germline.
Comment: the same text as in the submission from Illumina Laboratory Services, Illumina above.

Mayo Clinic Laboratories, Mayo Clinic
Classification: Benign. Last evaluated: 2017-08-24. Review status: criteria provided, single submitter. Criteria: ACMG Guidelines, 2015. Collection method: clinical testing. Allele origin: germline. Observed: 755 variant alleles.

Genetic Services Laboratory, University of Chicago
Classification: Benign for AllHighlyPenetrant. Last evaluated: 2013-08-15. Review status: criteria provided, single submitter. Criteria: ACMG Guidelines, 2007. Collection method: clinical testing. Allele origin: germline.

Biesecker Lab/Clinical Genomics Section, National Institutes of Health
Classification: Benign. Last evaluated: 2013-06-24. Review status: criteria provided, single submitter. Criteria: Ng et al. (Circ Cardiovasc Genet. 2013). Collection method: research. Allele origin: unknown. Observed: 154 variant alleles. Study: ClinSeq.
Comment: The study set was not selected for affection status in relation to any cancer. Pathogenicity categories were based on literature curation. See Pubmed ID:23861362 for details.

Medical sequencing

Ambry Genetics
Classification: Benign for Cardiovascular phenotype. Last evaluated: 2013-01-16. Review status: criteria provided, single submitter. Criteria: Ambry Autosomal Dominant and X-Linked criteria (10/2015). Collection method: clinical testing. Allele origin: germline. Observed: 1 variant allele.

GeneDx
Classification: Benign. Last evaluated: 2012-10-31. Review status: criteria provided, single submitter. Criteria: GeneDx Variant Classification (06012015). Collection method: clinical testing. Allele origin: germline. Affected: yes.
Comment: This variant is considered likely benign or benign based on one or more of the following criteria: it is a conservative change, it occurs at a poorly conserved position in the protein, it is predicted to be benign by multiple in silico algorithms, and/or has population frequency not consistent with disease.

Laboratory for Molecular Medicine, Mass General Brigham Personalized Medicine
Classification: Benign. Last evaluated: 2011-12-19. Review status: criteria provided, single submitter. Criteria: LMM Criteria. Collection method: clinical testing. Allele origin: germline. Observed: 570 variant alleles.

Breakthrough Genomics
Classification: Likely benign. Review status: criteria provided, single submitter. Criteria: ACMG Guidelines, 2015. Collection method: not provided. Allele origin: germline. Inheritance: Autosomal recessive inheritance. Affected: yes.

PreventionGenetics, part of Exact Sciences
Classification: Benign. Review status: criteria provided, single submitter. Criteria: ACMG Guidelines, 2015. Collection method: clinical testing. Allele origin: germline.

Clinical Genetics DNA and cytogenetics Diagnostics Lab, Erasmus MC, Erasmus Medical Center
Classification: Benign. Review status: no assertion criteria provided. Collection method: clinical testing. Allele origin: germline. Affected: yes. Study: VKGL Data-share Consensus. Not counted in ClinVar's aggregate classification.

Clinical Genetics, Academic Medical Center
Classification: Benign. Review status: no assertion criteria provided. Collection method: clinical testing. Allele origin: germline. Affected: yes. Study: VKGL Data-share Consensus. Not counted in ClinVar's aggregate classification.